The following is an entry in ClinVar:

NM_015702.3(MMADHC):c.-9C>T

Genes: MMADHC (metabolism of cobalamin associated D; minus strand), LOC126806368 (MED14-independent group 3 enhancer GRCh37_chr2:150443500-150444699; plus strand). Cytogenetic location: 2q23.2.
Variant type: single nucleotide variant.
Coding change: c.-9C>T on transcript NM_015702.3 (MANE Select); 9 bases upstream of the start codon, C replaced by T.
Molecular consequence: 5 prime UTR variant.
Genome position (GRCh38, 1-based): chr2:149,587,106, G>A on the plus strand (C>T on the coding strand, the complement: MMADHC is on the minus strand). VCF-style: chr2-149587106-G-A. GRCh37 (hg19) VCF-style: chr2-150443620-G-A.
Identifiers: ClinVar variation 3051528 (VCV003051528.2), dbSNP rs73965920, ClinGen allele CA1902534.

ClinVar aggregate classification (germline): Likely benign (0 of 4 stars; one submission).

Conditions:
MMADHC-related disorder. Also called: MMADHC-related condition.

Allele frequency attached by ClinVar (database versions not stated): ExAC 0.00036; 1000 Genomes Project 0.00080; 1000 Genomes Project 30x 0.00094; gnomAD 0.00119; ESP Exome Variant Server 0.00131; TOPMed 0.00138.
gnomAD v4.1: 315 of 1,613,824 alleles (0.02%); highest among the groups gnomAD compares: African/African-American, 0.38%; no homozygotes.

Submission:

PreventionGenetics, part of Exact Sciences
Classification: Likely benign for MMADHC-related condition. Last evaluated: 2020-01-27. Review status: no assertion criteria provided. Collection method: clinical testing. Allele origin: germline.
Comment: This variant is classified as likely benign based on ACMG/AMP sequence variant interpretation guidelines (Richards et al. 2015 PMID: 25741868, with internal and published modifications).